The following is an entry in ClinVar:

NM_001370259.2(MEN1):c.137A>G (p.His46Arg)

Gene: MEN1 (menin 1; minus strand). Cytogenetic location: 11q13.1.
Variant type: single nucleotide variant.
Coding change: c.137A>G on transcript NM_001370259.2 (MANE Select); coding-DNA position 137, A replaced by G.
Protein change: p.His46Arg; replaces histidine 46 with arginine.
Molecular consequence: missense variant. On other transcripts: non-coding transcript variant (4).
Genome position (GRCh38, 1-based): chr11:64,809,973, T>C on the plus strand (A>G on the coding strand, the complement: MEN1 is on the minus strand). VCF-style: chr11-64809973-T-C. GRCh37 (hg19) VCF-style: chr11-64577445-T-C.
Other names: c.137A>G, p.His46Arg (NM_000244.4, NM_001370251.2, NM_001370260.2 and 20 more transcripts); short protein forms H46R.
Identifiers: ClinVar variation 2907410 (VCV002907410.3), dbSNP rs2136192730, ClinGen allele CA381187839.

ClinVar aggregate classification (germline): Likely pathogenic (1 of 4 stars; one submission).

Conditions:
Multiple endocrine neoplasia, type 1 (MEN1). Also called: MEA I; MEN I; WERMER SYNDROME; Endocrine adenomatosis multiple; MEN 1. Identifiers: Orphanet 652, MedGen C0025267, MeSH D018761, MONDO:0007540, OMIM 131100.

Submission:

Labcorp Genetics (formerly Invitae), Labcorp
Classification: Likely pathogenic for Multiple endocrine neoplasia, type 1. Last evaluated: 2025-11-26. Review status: criteria provided, single submitter. Criteria: Invitae Variant Classification Sherloc (09022015). Collection method: clinical testing. Allele origin: germline.
Comment: This sequence change replaces histidine, which is basic and polar, with arginine, which is basic and polar, at codon 46 of the MEN1 protein (p.His46Arg). This variant is not present in population databases (gnomAD no frequency). This missense change has been observed in individual(s) with MEN1-related conditions (PMID: 30869828). ClinVar contains an entry for this variant (Variation ID: 2907410). Invitae Evidence Modeling of protein sequence and biophysical properties (such as structural, functional, and spatial information, amino acid conservation, physicochemical variation, residue mobility, and thermodynamic stability) indicates that this missense variant is expected to disrupt MEN1 protein function with a positive predictive value of 95%. This variant disrupts the p.His46 amino acid residue in MEN1. Other variant(s) that disrupt this residue have been determined to be pathogenic (internal data). This suggests that this residue is clinically significant, and that variants that disrupt this residue are likely to be disease-causing. In summary, the currently available evidence indicates that the variant is pathogenic, but additional data are needed to prove that conclusively. Therefore, this variant has been classified as Likely Pathogenic.

Literature cited by the submitters: PubMed 30869828.